The following is an entry in ClinVar:

NM_001194998.2(CEP152):c.2945T>C (p.Phe982Ser)

Gene: CEP152 (centrosomal protein 152; minus strand). Cytogenetic location: 15q21.1.
Variant type: single nucleotide variant.
Coding change: c.2945T>C on transcript NM_001194998.2 (MANE Select); coding-DNA position 2945, T replaced by C.
Protein change: p.Phe982Ser; replaces phenylalanine 982 with serine.
Molecular consequence: missense variant.
Genome position (GRCh38, 1-based): chr15:48,756,303, A>G on the plus strand (T>C on the coding strand, the complement: CEP152 is on the minus strand). VCF-style: chr15-48756303-A-G. GRCh37 (hg19) VCF-style: chr15-49048500-A-G.
Other names: c.2945T>C, p.Phe982Ser (NM_014985.4); short protein forms F982S.
Identifiers: ClinVar variation 1300595 (VCV001300595.4), dbSNP rs1304760236, ClinGen allele CA392343075.

ClinVar aggregate classification (germline): Uncertain significance. Review status: criteria provided, multiple submitters, no conflicts (2 of 4 stars). 3 submissions from 3 submitters: Uncertain significance (3). Last evaluated 2024-06-07.

Conditions:
Inborn genetic diseases. Identifiers: MedGen C0950123, MeSH D030342.

Allele frequency attached by ClinVar (database versions not stated): gnomAD exomes 0.00001 and 0.00003; gnomAD 0.00004 and 0.00005; TOPMed 0.00007.
gnomAD v4.1: 18 of 1,575,708 alleles (0.0011%); highest among the groups gnomAD compares: Admixed American, 0.028%; no homozygotes.

Submissions (3):

Ambry Genetics
Classification: Uncertain significance for Inborn genetic diseases. Last evaluated: 2024-06-07. Review status: criteria provided, single submitter. Criteria: Ambry Variant Classification Scheme 2023. Collection method: clinical testing. Allele origin: germline.

Labcorp Genetics (formerly Invitae), Labcorp
Classification: Uncertain significance. Last evaluated: 2022-03-27. Review status: criteria provided, single submitter. Criteria: Invitae Variant Classification Sherloc (09022015). Collection method: clinical testing. Allele origin: germline.
Comment: This sequence change replaces phenylalanine, which is neutral and non-polar, with serine, which is neutral and polar, at codon 982 of the CEP152 protein (p.Phe982Ser). This variant is present in population databases (no rsID available, gnomAD 0.02%). This variant has not been reported in the literature in individuals affected with CEP152-related conditions. ClinVar contains an entry for this variant (Variation ID: 1300595). Algorithms developed to predict the effect of missense changes on protein structure and function are either unavailable or do not agree on the potential impact of this missense change (SIFT: "Tolerated"; PolyPhen-2: "Probably Damaging"; Align-GVGD: "Class C15"). In summary, the available evidence is currently insufficient to determine the role of this variant in disease. Therefore, it has been classified as a Variant of Uncertain Significance.

GeneDx
Classification: Uncertain significance. Last evaluated: 2021-09-30. Review status: criteria provided, single submitter. Criteria: GeneDx Variant Classification Process June 2021. Collection method: clinical testing. Allele origin: germline. Affected: yes.
Comment: In silico analysis supports that this missense variant has a deleterious effect on protein structure/function; Has not been previously published as pathogenic or benign to our knowledge